The following is an entry in ClinVar:

ClinVar aggregate classification (germline): Likely pathogenic (1 of 4 stars; one submission).

Conditions:
Inborn genetic diseases. Identifiers: MedGen C0950123, MeSH D030342.

Submission:

Ambry Genetics
Classification: Likely pathogenic for Inborn genetic diseases. Last evaluated: 2023-08-07. Review status: criteria provided, single submitter. Criteria: Ambry Variant Classification Scheme 2023. Collection method: clinical testing. Allele origin: germline.
Comment: The c.2847+5G>A intronic alteration consists of a G to A substitution 5 nucleotides after exon 20 (coding exon 18) of the KMT2E gene. This variant was not reported in population-based cohorts in the Genome Aggregation Database (gnomAD). This nucleotide position is highly conserved in available vertebrate species. In silico splice site analysis predicts that this alteration will weaken the native splice donor site. Based on the available evidence, this alteration is classified as likely pathogenic.

NM_182931.3(KMT2E):c.2847+5G>A

Gene: KMT2E (lysine methyltransferase 2E (inactive); plus strand). Cytogenetic location: 7q22.3.
Variant type: single nucleotide variant.
Coding change: c.2847+5G>A on transcript NM_182931.3 (MANE Select); 5 bases into the intron after coding-DNA position 2847, G replaced by A.
Molecular consequence: intron variant.
Genome position (GRCh38, 1-based): chr7:105,106,777, G>A. VCF-style: chr7-105106777-G-A. GRCh37 (hg19) VCF-style: chr7-104747224-G-A.
Other names: c.2847+5G>A (NM_001410908.1, NM_018682.4).
Identifiers: ClinVar variation 2612332 (VCV002612332.2), dbSNP rs2536506721, ClinGen allele CA2582341932.